The following is an entry in ClinVar:

NM_014141.6(CNTNAP2):c.3161G>A (p.Ser1054Asn)

Gene: CNTNAP2 (contactin associated protein 2; plus strand). Cytogenetic location: 7q36.1.
Variant type: single nucleotide variant.
Coding change: c.3161G>A on transcript NM_014141.6 (MANE Select); coding-DNA position 3161, G replaced by A.
Protein change: p.Ser1054Asn; replaces serine 1054 with asparagine.
Molecular consequence: missense variant.
Genome position (GRCh38, 1-based): chr7:148,217,438, G>A. VCF-style: chr7-148217438-G-A. GRCh37 (hg19) VCF-style: chr7-147914530-G-A.
Other names: short protein forms S1054N.
Identifiers: ClinVar variation 1000332 (VCV001000332.9), dbSNP rs1795663851, ClinGen allele CA369929365.
Genomic context (GRCh38, chr7:148,217,438, plus strand): 5'-ACAACGCTCCCGACCAGCAGAACTCCCACCCGGACCTGGCACAGGAGGAGATCCGCTTCA[G>A]CTTCAGCACCACCAAGGCGCCCTGCATTCTCCTCTACATCAGCTCCTTCACCACAGACTT-3'
Protein context (NP_054860.1, residues 1044-1064): PDLAQEEIRF[Ser1054Asn]FSTTKAPCIL

ClinVar aggregate classification (germline): Uncertain significance (1 of 4 stars; one submission).

Conditions:
Cortical dysplasia-focal epilepsy syndrome (PTHSL1). Also called: Pitt-Hopkins-like syndrome 1. Identifiers: Orphanet 163681, Orphanet 221150, MedGen C2750246, MONDO:0012400, OMIM 610042.

Submission:

Labcorp Genetics (formerly Invitae), Labcorp
Classification: Uncertain significance for Cortical dysplasia-focal epilepsy syndrome. Last evaluated: 2020-10-09. Review status: criteria provided, single submitter. Criteria: Invitae Variant Classification Sherloc (09022015). Collection method: clinical testing. Allele origin: germline.
Comment: In summary, the available evidence is currently insufficient to determine the role of this variant in disease. Therefore, it has been classified as a Variant of Uncertain Significance. Algorithms developed to predict the effect of missense changes on protein structure and function (SIFT, PolyPhen-2, Align-GVGD) all suggest that this variant is likely to be disruptive, but these predictions have not been confirmed by published functional studies and their clinical significance is uncertain. This variant has not been reported in the literature in individuals with CNTNAP2-related conditions. This variant is not present in population databases (ExAC no frequency). This sequence change replaces serine with asparagine at codon 1054 of the CNTNAP2 protein (p.Ser1054Asn). The serine residue is highly conserved and there is a small physicochemical difference between serine and asparagine.